The following is an entry in ClinVar:

ClinVar aggregate classification (germline): Uncertain significance (1 of 4 stars; one submission).

Submission:

GeneDx
Classification: Uncertain significance. Last evaluated: 2024-05-15. Review status: criteria provided, single submitter. Criteria: GeneDx Variant Classification Process June 2021. Collection method: clinical testing. Allele origin: germline. Affected: yes.
Comment: Not observed at significant frequency in large population cohorts (gnomAD); In silico analysis supports that this missense variant has a deleterious effect on protein structure/function; Has not been previously published as pathogenic or benign to our knowledge

NM_022841.7(RFX7):c.692A>G (p.Gln231Arg)

Gene: RFX7 (regulatory factor X7; minus strand). Cytogenetic location: 15q21.3.
Variant type: single nucleotide variant.
Coding change: c.692A>G on transcript NM_022841.7 (MANE Select); coding-DNA position 692, A replaced by G.
Protein change: p.Gln231Arg; replaces glutamine 231 with arginine.
Molecular consequence: missense variant.
Genome position (GRCh38, 1-based): chr15:56,101,478, T>C on the plus strand (A>G on the coding strand, the complement: RFX7 is on the minus strand). VCF-style: chr15-56101478-T-C. GRCh37 (hg19) VCF-style: chr15-56393676-T-C.
Other names: c.401A>G, p.Gln134Arg (NM_001368073.2, NM_001368074.1, NM_001370554.1); c.692A>G, p.Gln231Arg (NM_001370561.1); short protein forms Q134R, Q231R.
Identifiers: ClinVar variation 3378083 (VCV003378083.1).